The following is an entry in ClinVar:

ClinVar aggregate classification (germline): Uncertain significance (1 of 4 stars; one submission).

Submission:

Labcorp Genetics (formerly Invitae), Labcorp
Classification: Uncertain significance. Last evaluated: 2023-06-30. Review status: criteria provided, single submitter. Criteria: Invitae Variant Classification Sherloc (09022015). Collection method: clinical testing. Allele origin: germline.
Comment: An algorithm developed to predict the effect of missense changes on protein structure and function (PolyPhen-2) suggests that this variant is likely to be tolerated. In summary, the available evidence is currently insufficient to determine the role of this variant in disease. Therefore, it has been classified as a Variant of Uncertain Significance. This variant has not been reported in the literature in individuals affected with ZIC4-related conditions. This variant is not present in population databases (gnomAD no frequency). This sequence change replaces aspartic acid, which is acidic and polar, with glutamic acid, which is acidic and polar, at codon 120 of the ZIC4 protein (p.Asp120Glu).

NM_032153.6(ZIC4):c.210C>G (p.Asp70Glu)

Gene: ZIC4 (Zic family zinc finger 4; minus strand). Cytogenetic location: 3q24.
Variant type: single nucleotide variant.
Coding change: c.210C>G on transcript NM_032153.6 (MANE Select); coding-DNA position 210, C replaced by G.
Protein change: p.Asp70Glu; replaces aspartic acid 70 with glutamic acid.
Molecular consequence: missense variant. On other transcripts: intron variant (1).
Genome position (GRCh38, 1-based): chr3:147,396,330, G>C on the plus strand (C>G on the coding strand, the complement: ZIC4 is on the minus strand). VCF-style: chr3-147396330-G-C. GRCh37 (hg19) VCF-style: chr3-147114117-G-C.
Other names: c.360C>G, p.Asp120Glu (NM_001168378.1); c.324C>G, p.Asp108Glu (NM_001168379.2); c.71-5084C>G (NM_001243256.2); short protein forms D120E, D108E, D70E.
Identifiers: ClinVar variation 2826138 (VCV002826138.3), dbSNP rs1187853607, ClinGen allele CA354893298.